The following is an entry in ClinVar:

NM_005458.8(GABBR2):c.459+4A>G

Gene: GABBR2 (gamma-aminobutyric acid type B receptor subunit 2; minus strand). Cytogenetic location: 9q22.33.
Variant type: single nucleotide variant.
Coding change: c.459+4A>G on transcript NM_005458.8 (MANE Select); 4 bases into the intron after coding-DNA position 459, A replaced by G.
Molecular consequence: intron variant.
Genome position (GRCh38, 1-based): chr9:98,577,931, T>C on the plus strand (A>G on the coding strand, the complement: GABBR2 is on the minus strand). VCF-style: chr9-98577931-T-C. GRCh37 (hg19) VCF-style: chr9-101340213-T-C.
Identifiers: ClinVar variation 1971538 (VCV001971538.5), dbSNP rs780919502, ClinGen allele CA5152993.

ClinVar aggregate classification (germline): Uncertain significance (1 of 4 stars; one submission).

Conditions:
Epileptic encephalopathy. Identifiers: MedGen C0543888, HP:0200134.

Allele frequency attached by ClinVar (database versions not stated): ExAC 0.00001; gnomAD exomes 0.00001.
gnomAD v4.1: 7 of 1,609,530 alleles (0.00043%); highest among the groups gnomAD compares: Non-Finnish European, 0.00059%; no homozygotes.

Submission:

Labcorp Genetics (formerly Invitae), Labcorp
Classification: Uncertain significance for Epileptic encephalopathy. Last evaluated: 2022-03-04. Review status: criteria provided, single submitter. Criteria: Invitae Variant Classification Sherloc (09022015). Collection method: clinical testing. Allele origin: germline.
Comment: This sequence change falls in intron 2 of the GABBR2 gene. It does not directly change the encoded amino acid sequence of the GABBR2 protein. It affects a nucleotide within the consensus splice site. This variant is present in population databases (rs780919502, gnomAD 0.002%). This variant has not been reported in the literature in individuals affected with GABBR2-related conditions. Variants that disrupt the consensus splice site are a relatively common cause of aberrant splicing (PMID: 17576681, 9536098). Algorithms developed to predict the effect of sequence changes on RNA splicing suggest that this variant is not likely to affect RNA splicing. In summary, the available evidence is currently insufficient to determine the role of this variant in disease. Therefore, it has been classified as a Variant of Uncertain Significance.

Literature cited by the submitters: PubMed 17576681; PubMed 9536098.